The following is an entry in ClinVar:

ClinVar aggregate classification (germline): Likely benign (1 of 4 stars; one submission).

Allele frequency attached by ClinVar (database versions not stated): 1000 Genomes Project 30x 0.00291.

Submission:

CeGaT Center for Human Genetics Tuebingen
Classification: Likely benign. Last evaluated: 2024-04-01. Review status: criteria provided, single submitter. Criteria: CeGaT Center For Human Genetics Tuebingen Variant Classification Criteria Version 2. Collection method: clinical testing. Allele origin: germline. Affected: yes. Observed: 1 variant allele.
Comment: F8: BS1

NM_000132.4(F8):c.6429+13963C>T

Genes: F8 (coagulation factor VIII; minus strand), LOC106146150 (int22h-1 recombination region; plus strand). Cytogenetic location: Xq28.
Variant type: single nucleotide variant.
Coding change: c.6429+13963C>T on transcript NM_000132.4 (MANE Select); 13963 bases into the intron after coding-DNA position 6429, C replaced by T.
Molecular consequence: intron variant.
Genome position (GRCh38, 1-based): chrX:154,882,114, G>A on the plus strand (C>T on the coding strand, the complement: F8 is on the minus strand). VCF-style: chrX-154882114-G-A. GRCh37 (hg19) VCF-style: chrX-154110389-G-A.
Other names: c.24+4020C>T (NM_019863.3).
Identifiers: ClinVar variation 3234464 (VCV003234464.20), dbSNP rs1192249515, ClinGen allele CA645250602.